The following is an entry in ClinVar:

NM_000433.4(NCF2):c.1065G>C (p.Lys355Asn)

Gene: NCF2 (neutrophil cytosolic factor 2; minus strand). Cytogenetic location: 1q25.3.
Variant type: single nucleotide variant.
Coding change: c.1065G>C on transcript NM_000433.4 (MANE Select); coding-DNA position 1065, G replaced by C.
Protein change: p.Lys355Asn; replaces lysine 355 with asparagine.
Molecular consequence: missense variant.
Genome position (GRCh38, 1-based): chr1:183,563,547, C>G on the plus strand (G>C on the coding strand, the complement: NCF2 is on the minus strand). VCF-style: chr1-183563547-C-G. GRCh37 (hg19) VCF-style: chr1-183532682-C-G.
Other names: c.1065G>C, p.Lys355Asn (NM_001127651.3); c.822G>C, p.Lys274Asn (NM_001190789.2); c.930G>C, p.Lys310Asn (NM_001190794.2); c.957G>C, p.Lys319Asn (NM_001410895.1); short protein forms K319N, K274N, K310N, K355N.
Identifiers: ClinVar variation 2099427 (VCV002099427.1), dbSNP rs1248900075, ClinGen allele CA343704679.

ClinVar aggregate classification (germline): Uncertain significance (1 of 4 stars; one submission).

Conditions:
Granulomatous disease, chronic, autosomal recessive, cytochrome b-positive, type 2. Also called: Chronic Granulomatous Disease, Autosomal Recessive, Cytochrome b-Positive, Type II; GRANULOMATOUS DISEASE, CHRONIC, AUTOSOMAL RECESSIVE, 2; Chronic granulomatous disease due to deficiency of NCF-2; CGD, AUTOSOMAL RECESSIVE CYTOCHROME b-POSITIVE, TYPE II; GRANULOMATOUS DISEASE, CHRONIC, DUE TO NCF2 DEFICIENCY. Identifiers: Orphanet 379, MedGen C1856245, MONDO:0009310, OMIM 233710.

gnomAD v4.1: 1 of 1,613,998 alleles (0.000062%); highest among the groups gnomAD compares: Non-Finnish European, 0.000085%; no homozygotes.

Submission:

Labcorp Genetics (formerly Invitae), Labcorp
Classification: Uncertain significance for Granulomatous disease, chronic, autosomal recessive, cytochrome b-positive, type 2. Last evaluated: 2022-02-22. Review status: criteria provided, single submitter. Criteria: Invitae Variant Classification Sherloc (09022015). Collection method: clinical testing. Allele origin: germline.
Comment: This sequence change replaces lysine, which is basic and polar, with asparagine, which is neutral and polar, at codon 355 of the NCF2 protein (p.Lys355Asn). This variant is present in population databases (no rsID available, gnomAD 0.0009%). This variant has not been reported in the literature in individuals affected with NCF2-related conditions. Algorithms developed to predict the effect of missense changes on protein structure and function (SIFT, PolyPhen-2, Align-GVGD) all suggest that this variant is likely to be disruptive. In summary, the available evidence is currently insufficient to determine the role of this variant in disease. Therefore, it has been classified as a Variant of Uncertain Significance.